The following is an entry in ClinVar:

ClinVar aggregate classification (germline): Likely benign. Review status: criteria provided, multiple submitters, no conflicts (2 of 4 stars). 4 submissions from 4 submitters: Likely benign (4). Last evaluated 2026-01-26.

Conditions:
Hereditary cancer-predisposing syndrome. Also called: Hereditary neoplastic syndrome; Neoplastic Syndromes, Hereditary; Tumor predisposition; Hereditary Cancer Syndrome. Identifiers: Orphanet 140162, MedGen C0027672, MeSH D009386, MONDO:0015356.
Tuberous sclerosis 1 (TSC1). Identifiers: Orphanet 805, MedGen C1854465, MONDO:0008612, OMIM 191100.

Allele frequency attached by ClinVar (database versions not stated): gnomAD 0.00001; TOPMed 0.00001; ExAC 0.00002.
gnomAD v4.1: 2 of 1,614,038 alleles (0.00012%); no homozygotes.

Submissions (4):

Labcorp Genetics (formerly Invitae), Labcorp
Classification: Likely benign for Tuberous sclerosis 1. Last evaluated: 2026-01-26. Review status: criteria provided, single submitter. Criteria: Invitae Variant Classification Sherloc (09022015). Collection method: clinical testing. Allele origin: germline.

Myriad Genetics, Inc.
Classification: Likely benign for Tuberous sclerosis 1. Last evaluated: 2024-08-12. Review status: criteria provided, single submitter. Criteria: Myriad Autosomal Dominant, Autosomal Recessive and X-Linked Classification Criteria (2023). Collection method: clinical testing. Allele origin: unknown.
Comment: This variant is considered likely benign. This variant has been observed at a population frequency that is significantly greater than expected given the associated disease prevalence and penetrance.

Ambry Genetics
Classification: Likely benign for Hereditary cancer-predisposing syndrome. Last evaluated: 2022-10-21. Review status: criteria provided, single submitter. Criteria: Ambry Variant Classification Scheme 2023. Collection method: clinical testing. Allele origin: germline.

Genome-Nilou Lab
Classification: Likely benign for Tuberous sclerosis 1. Last evaluated: 2021-11-07. Review status: criteria provided, single submitter. Criteria: ACMG Guidelines, 2015. Collection method: clinical testing. Allele origin: germline. Affected: no.

NM_000368.5(TSC1):c.213C>A (p.His71Gln)

Gene: TSC1 (TSC complex subunit 1; minus strand). Cytogenetic location: 9q34.13.
Variant type: single nucleotide variant.
Coding change: c.213C>A on transcript NM_000368.5 (MANE Select); coding-DNA position 213, C replaced by A.
Protein change: p.His71Gln; replaces histidine 71 with glutamine.
Molecular consequence: missense variant. On other transcripts: 5 prime UTR variant (1), intron variant (1).
Genome position (GRCh38, 1-based): chr9:132,925,737, G>T on the plus strand (C>A on the coding strand, the complement: TSC1 is on the minus strand). VCF-style: chr9-132925737-G-T. GRCh37 (hg19) VCF-style: chr9-135801124-G-T.
Other names: c.213C>A, p.His71Gln (NM_001162426.2); c.-151C>A (NM_001362177.2); c.210+1464C>A (NM_001162427.2); short protein forms H71Q.
Identifiers: ClinVar variation 466065 (VCV000466065.19), dbSNP rs765578482, ClinGen allele CA031560.